The following is an entry in ClinVar:

ClinVar aggregate classification (germline): Likely benign. Review status: criteria provided, multiple submitters, no conflicts (2 of 4 stars). 6 submissions from 6 submitters: Likely benign (6). Last evaluated 2026-07-01.

Allele frequency attached by ClinVar (database versions not stated): 1000 Genomes Project 30x 0.00016; 1000 Genomes Project 0.00020; ESP Exome Variant Server 0.00069; gnomAD 0.00072 and 0.00073; TOPMed 0.00074; ExAC 0.00080; gnomAD exomes 0.00088 and 0.00089.
gnomAD v4.1: 1,438 of 1,613,392 alleles (0.089%); highest among the groups gnomAD compares: Middle Eastern, 0.43%; 1 homozygote.

Submissions (6):

CeGaT Center for Human Genetics Tuebingen
Classification: Likely benign. Last evaluated: 2026-07-01. Review status: criteria provided, single submitter. Criteria: CeGaT Center For Human Genetics Tuebingen Variant Classification Criteria Version 2. Collection method: clinical testing. Allele origin: germline. Affected: yes. Observed: 1 variant allele.
Comment: ADAMTS13: BP4, BP7

Labcorp Genetics (formerly Invitae), Labcorp
Classification: Likely benign. Last evaluated: 2026-01-22. Review status: criteria provided, single submitter. Criteria: Invitae Variant Classification Sherloc (09022015). Collection method: clinical testing. Allele origin: germline.

Mayo Clinic Laboratories, Mayo Clinic
Classification: Likely benign. Last evaluated: 2025-05-28. Review status: criteria provided, single submitter. Criteria: ACMG Guidelines, 2015. Collection method: clinical testing. Allele origin: germline. Observed: 4 variant alleles.
Comment: BS1, BP4, BP7

Blueprint Genetics
Classification: Likely benign. Last evaluated: 2024-11-06. Review status: criteria provided, single submitter. Criteria: ACMG Guidelines, 2015. Collection method: clinical testing. Allele origin: germline.

Women's Health and Genetics/Laboratory Corporation of America, LabCorp
Classification: Likely benign. Last evaluated: 2024-06-06. Review status: criteria provided, single submitter. Criteria: LabCorp Variant Classification Summary - May 2015. Collection method: clinical testing. Allele origin: germline.

PreventionGenetics, part of Exact Sciences
Classification: Likely benign. Review status: criteria provided, single submitter. Criteria: ACMG Guidelines, 2015. Collection method: clinical testing. Allele origin: germline.

NM_139027.6(ADAMTS13):c.2580C>T (p.Val860=)

Gene: ADAMTS13 (ADAM metallopeptidase with thrombospondin type 1 motif 13; plus strand). Cytogenetic location: 9q34.2.
Variant type: single nucleotide variant.
Coding change: c.2580C>T on transcript NM_139027.6 (MANE Select); coding-DNA position 2580, C replaced by T.
Protein change: p.Val860=; no amino-acid change (valine 860 retained).
Molecular consequence: synonymous variant. On other transcripts: non-coding transcript variant (1).
Genome position (GRCh38, 1-based): chr9:133,445,022, C>T. VCF-style: chr9-133445022-C-T. GRCh37 (hg19) VCF-style: chr9-136310143-C-T.
Other names: p.Val860=; c.2580C>T, p.Val860= (NM_139025.5); c.2487C>T, p.Val829= (NM_139026.6).
Identifiers: ClinVar variation 262436 (VCV000262436.18), dbSNP rs147112200, ClinGen allele CA10587039.